The following is an entry in ClinVar:

ClinVar aggregate classification (germline): Uncertain significance (1 of 4 stars; one submission).

Submission:

GeneDx
Classification: Uncertain significance. Last evaluated: 2024-11-19. Review status: criteria provided, single submitter. Criteria: GeneDx Variant Classification Process June 2021. Collection method: clinical testing. Allele origin: germline. Affected: yes.
Comment: Not observed at significant frequency in large population cohorts (gnomAD); In-frame deletion of 1 amino acid in a non-repeat region; In silico analysis supports a deleterious effect on protein structure/function; Has not been previously published as pathogenic or benign to our knowledge

NM_001375524.1(TRRAP):c.3670GAG[1] (p.Glu1225del)

Gene: TRRAP (transformation/transcription domain associated protein; plus strand). Cytogenetic location: 7q22.1.
Variant type: Microsatellite.
Coding change: c.3670GAG[1] on transcript NM_001375524.1 (MANE Select); one copy of the 3-base unit GAG starting at c.3670; the reference has two copies in a row; one copy, 3 bases deleted.
Protein change: p.Glu1225del; deletes glutamic acid 1225.
Genome position (GRCh38, 1-based): chr7:98,931,486-98,931,488, GAG deleted; deleting any 3 consecutive bases within chr7:98,931,483-98,931,488 gives the same sequence; the position shown is the placement nearest the transcript's 3' end. VCF-style (leftmost placement, unchanged base first): chr7-98931482-CGAG-C. GRCh37 (hg19) VCF-style: chr7-98529105-CGAG-C.
Other names: c.3670GAG[1], p.Glu1225del (NM_001244580.2, NM_003496.4); short protein forms E1225del.
Identifiers: ClinVar variation 3900407 (VCV003900407.1).